The following is an entry in ClinVar:

NM_000260.4(MYO7A):c.1021C>G (p.Leu341Val)

Gene: MYO7A (myosin VIIA; plus strand). Cytogenetic location: 11q13.5.
Variant type: single nucleotide variant.
Coding change: c.1021C>G on transcript NM_000260.4 (MANE Select); coding-DNA position 1021, C replaced by G.
Protein change: p.Leu341Val; replaces leucine 341 with valine.
Molecular consequence: missense variant.
Genome position (GRCh38, 1-based): chr11:77,159,464, C>G. VCF-style: chr11-77159464-C-G. GRCh37 (hg19) VCF-style: chr11-76870510-C-G.
Other names: c.1021C>G, p.Leu341Val (NM_001127180.2); c.988C>G, p.Leu330Val (NM_001369365.1); short protein forms L330V, L341V.
Identifiers: ClinVar variation 1065062 (VCV001065062.3), dbSNP rs782765242, ClinGen allele CA381933865.

ClinVar aggregate classification (germline): Uncertain significance (1 of 4 stars; one submission).

Conditions:
Hearing impairment. Also called: Impaired Hearing. Identifiers: MedGen C1384666, MONDO:0005365, HP:0000365.

Allele frequency attached by ClinVar (database versions not stated): TOPMed below 0.00001.
gnomAD v4.1: 2 of 1,412,028 alleles (0.00014%); highest among the groups gnomAD compares: Non-Finnish European, 0.00019%; no homozygotes.

Submission:

Department of Otolaryngology – Head & Neck Surgery, Cochlear Implant Center
Classification: Uncertain significance for Hearing impairment. Last evaluated: 2021-04-12. Review status: criteria provided, single submitter. Criteria: ClinGen HL ACMG Specifications v1. Collection method: clinical testing. Allele origin: germline. Affected: yes.
Comment: PM2_Moderate, PP3_Supporting